The following is an entry in ClinVar:

NM_001943.5(DSG2):c.1132A>C (p.Lys378Gln)

Gene: DSG2 (desmoglein 2; plus strand). Cytogenetic location: 18q12.1.
Variant type: single nucleotide variant.
Coding change: c.1132A>C on transcript NM_001943.5 (MANE Select); coding-DNA position 1132, A replaced by C.
Protein change: p.Lys378Gln; replaces lysine 378 with glutamine.
Molecular consequence: missense variant.
Genome position (GRCh38, 1-based): chr18:31,531,104, A>C. VCF-style: chr18-31531104-A-C. GRCh37 (hg19) VCF-style: chr18-29111067-A-C.
Other names: short protein forms K378Q.
Identifiers: ClinVar variation 2145499 (VCV002145499.4), dbSNP rs2073195294, ClinGen allele CA402138713.

ClinVar aggregate classification (germline): Uncertain significance (1 of 4 stars; one submission).

Conditions:
Arrhythmogenic right ventricular dysplasia 10. Also called: Arrhythmogenic Right Ventricular Dysplasia/Cardiomyopathy10; Arrhythmogenic right ventricular dysplasia/cardiomyopathy, type 10; ARRHYTHMOGENIC RIGHT VENTRICULAR DYSPLASIA, FAMILIAL, 10. Identifiers: MedGen C1857777, MONDO:0012434, OMIM 610193.

Allele frequency attached by ClinVar (database versions not stated): gnomAD exomes below 0.00001.
gnomAD v4.1: 1 of 1,614,144 alleles (0.000062%); highest among the groups gnomAD compares: Non-Finnish European, 0.000085%; no homozygotes.

Submission:

Labcorp Genetics (formerly Invitae), Labcorp
Classification: Uncertain significance for Arrhythmogenic right ventricular dysplasia 10. Last evaluated: 2023-02-18. Review status: criteria provided, single submitter. Criteria: Invitae Variant Classification Sherloc (09022015). Collection method: clinical testing. Allele origin: germline.
Comment: In summary, the available evidence is currently insufficient to determine the role of this variant in disease. Therefore, it has been classified as a Variant of Uncertain Significance. Advanced modeling of protein sequence and biophysical properties (such as structural, functional, and spatial information, amino acid conservation, physicochemical variation, residue mobility, and thermodynamic stability) performed at Invitae indicates that this missense variant is not expected to disrupt DSG2 protein function. This variant has not been reported in the literature in individuals affected with DSG2-related conditions. This variant is not present in population databases (gnomAD no frequency). This sequence change replaces lysine, which is basic and polar, with glutamine, which is neutral and polar, at codon 378 of the DSG2 protein (p.Lys378Gln).